The following is an entry in ClinVar:

ClinVar aggregate classification (germline): Uncertain significance (1 of 4 stars; one submission).

Conditions:
Emery-Dreifuss muscular dystrophy 5, autosomal dominant (EDMD5). Also called: EMERY-DREIFUSS MUSCULAR DYSTROPHY 5. Identifiers: Orphanet 261, MedGen C2751805, MONDO:0013072, OMIM 612999.

Allele frequency attached by ClinVar (database versions not stated): gnomAD exomes below 0.00001.
gnomAD v4.1: 1 of 1,603,768 alleles (0.000062%); highest among the groups gnomAD compares: Non-Finnish European, 0.000085%; no homozygotes.

Submission:

Labcorp Genetics (formerly Invitae), Labcorp
Classification: Uncertain significance for Emery-Dreifuss muscular dystrophy 5, autosomal dominant. Last evaluated: 2020-03-26. Review status: criteria provided, single submitter. Criteria: Invitae Variant Classification Sherloc (09022015). Collection method: clinical testing. Allele origin: germline.
Comment: This sequence change replaces glutamine with proline at codon 1596 of the SYNE2 protein (p.Gln1596Pro). The glutamine residue is weakly conserved and there is a moderate physicochemical difference between glutamine and proline. Algorithms developed to predict the effect of missense changes on protein structure and function are either unavailable or do not agree on the potential impact of this missense change (SIFT: "Tolerated"; PolyPhen-2: "Possibly Damaging"; Align-GVGD: "Class C0"). In summary, the available evidence is currently insufficient to determine the role of this variant in disease. Therefore, it has been classified as a Variant of Uncertain Significance. This variant is not present in population databases (ExAC no frequency). This variant has not been reported in the literature in individuals with SYNE2-related conditions.

NM_182914.3(SYNE2):c.4787A>C (p.Gln1596Pro)

Gene: SYNE2 (spectrin repeat containing nuclear envelope protein 2; plus strand). Cytogenetic location: 14q23.2.
Variant type: single nucleotide variant.
Coding change: c.4787A>C on transcript NM_182914.3 (MANE Select); coding-DNA position 4787, A replaced by C.
Protein change: p.Gln1596Pro; replaces glutamine 1596 with proline.
Molecular consequence: missense variant.
Genome position (GRCh38, 1-based): chr14:64,016,531, A>C. VCF-style: chr14-64016531-A-C. GRCh37 (hg19) VCF-style: chr14-64483249-A-C.
Other names: c.4787A>C, p.Gln1596Pro (NM_015180.6); short protein forms Q1596P.
Identifiers: ClinVar variation 1014011 (VCV001014011.8), dbSNP rs2096893453, ClinGen allele CA389937154.